The following is an entry in ClinVar:

ClinVar aggregate classification (germline): Uncertain significance. Review status: criteria provided, multiple submitters, no conflicts (2 of 4 stars). 4 submissions from 4 submitters: Uncertain significance (4). Last evaluated 2025-12-17.

Conditions:
CTNNA1-related disorder. Also called: CTNNA1-related condition.
Hereditary cancer-predisposing syndrome. Also called: Hereditary Cancer Syndrome; Hereditary neoplastic syndrome; Tumor predisposition; Neoplastic Syndromes, Hereditary. Identifiers: Orphanet 140162, MedGen C0027672, MeSH D009386, MONDO:0015356.

Allele frequency attached by ClinVar (database versions not stated): gnomAD exomes 0.00001; TOPMed 0.00001; gnomAD 0.00002; ExAC 0.00002.
gnomAD v4.1: 23 of 1,612,316 alleles (0.0014%); highest among the groups gnomAD compares: Non-Finnish European, 0.0019%; no homozygotes.

Submissions (4):

Labcorp Genetics (formerly Invitae), Labcorp
Classification: Uncertain significance. Last evaluated: 2025-12-17. Review status: criteria provided, single submitter. Criteria: Invitae Variant Classification Sherloc (09022015). Collection method: clinical testing. Allele origin: germline.
Comment: This sequence change replaces alanine, which is neutral and non-polar, with valine, which is neutral and non-polar, at codon 902 of the CTNNA1 protein (p.Ala902Val). This variant is present in population databases (rs762163053, gnomAD 0.004%). This variant has not been reported in the literature in individuals affected with CTNNA1-related conditions. ClinVar contains an entry for this variant (Variation ID: 653545). Invitae Evidence Modeling of protein sequence and biophysical properties (such as structural, functional, and spatial information, amino acid conservation, physicochemical variation, residue mobility, and thermodynamic stability) indicates that this missense variant is not expected to disrupt CTNNA1 protein function with a negative predictive value of 80%. In summary, the available evidence is currently insufficient to determine the role of this variant in disease. Therefore, it has been classified as a Variant of Uncertain Significance.

GeneDx
Classification: Uncertain significance. Last evaluated: 2025-09-25. Review status: criteria provided, single submitter. Criteria: GeneDx Variant Classification Process June 2021. Collection method: clinical testing. Allele origin: germline.
Comment: Not observed at significant frequency in large population cohorts (gnomAD); In silico analysis suggests that this missense variant does not alter protein structure/function; Observed in multiple individuals who underwent multigene panel testing (PMID: 32051609); This variant is associated with the following publications: (PMID: 32051609)

Ambry Genetics
Classification: Uncertain significance for Hereditary cancer-predisposing syndrome. Last evaluated: 2024-06-17. Review status: criteria provided, single submitter. Criteria: Ambry Variant Classification Scheme 2023. Collection method: clinical testing. Allele origin: germline.
Comment: The p.A902V variant (also known as c.2705C>T), located in coding exon 17 of the CTNNA1 gene, results from a C to T substitution at nucleotide position 2705. The alanine at codon 902 is replaced by valine, an amino acid with similar properties. This amino acid position is highly conserved in available vertebrate species. In addition, the in silico prediction for this alteration is inconclusive. The evidence for this gene-disease relationship is limited; therefore, the clinical significance of this alteration is unclear.

PreventionGenetics, part of Exact Sciences
Classification: Uncertain significance for CTNNA1-related condition. Last evaluated: 2023-04-20. Review status: criteria provided, single submitter. Criteria: ACMG Guidelines, 2015. Collection method: clinical testing. Allele origin: germline.
Comment: The CTNNA1 c.2705C>T variant is predicted to result in the amino acid substitution p.Ala902Val. This variant has been reported in several individuals with gastric and/or breast cancer (Supplemental Table 1, Clark et al 2020. PubMed ID: 32051609). This variant is reported in 0.0031% of alleles in individuals of European (Non-Finnish) descent in gnomAD and is interpreted as uncertain in ClinVar. At this time, the clinical significance of this variant is uncertain due to the absence of conclusive functional and genetic evidence.

NM_001903.5(CTNNA1):c.2705C>T (p.Ala902Val)

Gene: CTNNA1 (catenin alpha 1; plus strand). Cytogenetic location: 5q31.2.
Variant type: single nucleotide variant.
Coding change: c.2705C>T on transcript NM_001903.5 (MANE Select); coding-DNA position 2705, C replaced by T.
Protein change: p.Ala902Val; replaces alanine 902 with valine.
Molecular consequence: missense variant. On other transcripts: 3 prime UTR variant (5).
Genome position (GRCh38, 1-based): chr5:138,934,073, C>T. VCF-style: chr5-138934073-C-T. GRCh37 (hg19) VCF-style: chr5-138269762-C-T.
Other names: c.*250C>T (NM_001324003.1, NM_001324004.1, NM_001324005.1 and 2 more transcripts); c.1256C>T, p.Ala419Val (NM_001324006.1, NM_001324007.1, NM_001324008.1 and 2 more transcripts); c.1502C>T, p.Ala501Val (NM_001324011.1); c.1352C>T, p.Ala451Val (NM_001324012.1, NM_001324013.1); c.2396C>T, p.Ala799Val (NM_001290309.3); c.2336C>T, p.Ala779Val (NM_001290310.3); c.1595C>T, p.Ala532Val (NM_001290312.1, NM_001323987.1, NM_001323988.1 and 12 more transcripts); c.2705C>T, p.Ala902Val (NM_001323982.2, NM_001323983.1, NM_001323984.2); and 4 more; short protein forms A902V, A451V, A871V, A419V, A532V, A779V, A799V, A487V.
Identifiers: ClinVar variation 653545 (VCV000653545.15), dbSNP rs762163053, ClinGen allele CA3432287.
Genomic context (GRCh38, chr5:138,934,073, plus strand): 5'-TTAAACGGGCATCTCAGAAGAAGCACGTGAACCCGGTGCAGGCCCTCAGCGAGTTCAAAG[C>T]TATGGACAGCATCTAAGTCTGCCCAGGCCGGCCGCCCCCACCCCTCGGGGCTCCTGAATA-3'
Protein context (NP_001894.2, residues 892-906): NPVQALSEFK[Ala902Val]MDSI